The following is an entry in ClinVar:

ClinVar aggregate classification (germline): Uncertain significance. Review status: criteria provided, multiple submitters, no conflicts (2 of 4 stars). 2 submissions from 2 submitters: Uncertain significance (2). Last evaluated 2022-09-19.

Conditions:
Mendelian susceptibility to mycobacterial diseases due to complete IL12RB1 deficiency. Also called: IL12RB1 DEFICIENCY; Immunodeficiency 30. Identifiers: Orphanet 319552, MedGen C4013949, MONDO:0013955, OMIM 614891.

Allele frequency attached by ClinVar (database versions not stated): gnomAD exomes 0.00002 and 0.00004; ExAC 0.00001; TOPMed 0.00002; gnomAD 0.00006.
gnomAD v4.1: 68 of 1,612,190 alleles (0.0042%); highest among the groups gnomAD compares: Admixed American, 0.01%; no homozygotes.

Submissions (2):

Labcorp Genetics (formerly Invitae), Labcorp
Classification: Uncertain significance for Mendelian susceptibility to mycobacterial diseases due to complete IL12RB1 deficiency. Last evaluated: 2022-09-19. Review status: criteria provided, single submitter. Criteria: Invitae Variant Classification Sherloc (09022015). Collection method: clinical testing. Allele origin: germline.
Comment: This sequence change replaces arginine, which is basic and polar, with glutamine, which is neutral and polar, at codon 173 of the IL12RB1 protein (p.Arg173Gln). This variant is present in population databases (rs756272570, gnomAD 0.01%). This variant has not been reported in the literature in individuals affected with IL12RB1-related conditions. ClinVar contains an entry for this variant (Variation ID: 1025408). Advanced modeling of protein sequence and biophysical properties (such as structural, functional, and spatial information, amino acid conservation, physicochemical variation, residue mobility, and thermodynamic stability) performed at Invitae indicates that this missense variant is not expected to disrupt IL12RB1 protein function. This variant disrupts the p.Arg173 amino acid residue in IL12RB1. Other variant(s) that disrupt this residue have been determined to be pathogenic (PMID: 21057261, 30715640, 31158284). This suggests that this residue is clinically significant, and that variants that disrupt this residue are likely to be disease-causing. In summary, the available evidence is currently insufficient to determine the role of this variant in disease. Therefore, it has been classified as a Variant of Uncertain Significance.

Breakthrough Genomics
Classification: Uncertain significance. Review status: criteria provided, single submitter. Criteria: ACMG Guidelines, 2015. Collection method: not provided. Allele origin: germline. Inheritance: Autosomal dominant inheritance. Affected: yes.

Literature cited by the submitters: PubMed 21057261 (cited by Labcorp Genetics (formerly Invitae), Labcorp); PubMed 30715640 (cited by Labcorp Genetics (formerly Invitae), Labcorp); PubMed 31158284 (cited by Labcorp Genetics (formerly Invitae), Labcorp).

NM_005535.3(IL12RB1):c.518G>A (p.Arg173Gln)

Gene: IL12RB1 (interleukin 12 receptor subunit beta 1; minus strand). Cytogenetic location: 19p13.11.
Variant type: single nucleotide variant.
Coding change: c.518G>A on transcript NM_005535.3 (MANE Select); coding-DNA position 518, G replaced by A.
Protein change: p.Arg173Gln; replaces arginine 173 with glutamine.
Molecular consequence: missense variant.
Genome position (GRCh38, 1-based): chr19:18,077,547, C>T on the plus strand (G>A on the coding strand, the complement: IL12RB1 is on the minus strand). VCF-style: chr19-18077547-C-T. GRCh37 (hg19) VCF-style: chr19-18188357-C-T.
Other names: c.638G>A, p.Arg213Gln (NM_001290024.2); c.518G>A, p.Arg173Gln (NM_153701.3, NM_001290023.2); short protein forms R173Q, R213Q.
Identifiers: ClinVar variation 1025408 (VCV001025408.6), dbSNP rs756272570, ClinGen allele CA9305192.